The following is an entry in ClinVar:

ClinVar aggregate classification (germline): Uncertain significance (1 of 4 stars; one submission).

Conditions:
Common variable immunodeficiency (CVID). Also called: Common variable hypogamma-globulinemia; Common variable agammaglobulinemia. Identifiers: Orphanet 1572, MedGen C0009447, MONDO:0015517.

Allele frequency attached by ClinVar (database versions not stated): gnomAD 0.00001; TOPMed 0.00001; ExAC 0.00002; gnomAD exomes 0.00004.
gnomAD v4.1: 55 of 1,613,656 alleles (0.0034%); highest among the groups gnomAD compares: East Asian, 0.11%; no homozygotes.

Submission:

Labcorp Genetics (formerly Invitae), Labcorp
Classification: Uncertain significance for Common variable immunodeficiency. Last evaluated: 2024-12-24. Review status: criteria provided, single submitter. Criteria: Invitae Variant Classification Sherloc (09022015). Collection method: clinical testing. Allele origin: germline.
Comment: This sequence change replaces arginine, which is basic and polar, with histidine, which is basic and polar, at codon 227 of the TNFSF12 protein (p.Arg227His). This variant is present in population databases (rs758038102, gnomAD 0.02%). This variant has not been reported in the literature in individuals affected with TNFSF12-related conditions. ClinVar contains an entry for this variant (Variation ID: 1986595). An algorithm developed to predict the effect of missense changes on protein structure and function (PolyPhen-2) suggests that this variant is likely to be disruptive. In summary, the available evidence is currently insufficient to determine the role of this variant in disease. Therefore, it has been classified as a Variant of Uncertain Significance.

NM_003809.3(TNFSF12):c.680G>A (p.Arg227His)

Genes: TNFSF12 (TNF superfamily member 12; plus strand), TNFSF12-TNFSF13 (TNFSF12-TNFSF13 readthrough; plus strand). Cytogenetic location: 17p13.1.
Variant type: single nucleotide variant.
Coding change: c.680G>A on transcript NM_003809.3 (MANE Select); coding-DNA position 680, G replaced by A.
Protein change: p.Arg227His; replaces arginine 227 with histidine.
Molecular consequence: missense variant. On other transcripts: non-coding transcript variant (1), intron variant (1).
Genome position (GRCh38, 1-based): chr17:7,557,280, G>A. VCF-style: chr17-7557280-G-A. GRCh37 (hg19) VCF-style: chr17-7460597-G-A.
Other names: c.498+378G>A (NM_172089.4); short protein forms R227H.
Identifiers: ClinVar variation 1986595 (VCV001986595.4), dbSNP rs758038102, ClinGen allele CA8350901.
Genomic context (GRCh38, chr17:7,557,280, plus strand): 5'-TCCGCCTCTGCCAGGTGTCTGGGCTGTTGGCCCTGCGGCCAGGGTCCTCCCTGCGGATCC[G>A]CACCCTCCCCTGGGCCCATCTCAAGGCTGCCCCCTTCCTCACCTACTTCGGACTCTTCCA-3'
Protein context (NP_003800.1, residues 217-237): ALRPGSSLRI[Arg227His]TLPWAHLKAA